The following is an entry in ClinVar:

NM_000038.6(APC):c.5723A>G (p.Asn1908Ser)

Gene: APC (APC regulator of Wnt signaling pathway; plus strand). Cytogenetic location: 5q22.2.
Variant type: single nucleotide variant.
Coding change: c.5723A>G on transcript NM_000038.6 (MANE Select); coding-DNA position 5723, A replaced by G.
Protein change: p.Asn1908Ser; replaces asparagine 1908 with serine.
Molecular consequence: missense variant.
Genome position (GRCh38, 1-based): chr5:112,841,317, A>G. VCF-style: chr5-112841317-A-G. GRCh37 (hg19) VCF-style: chr5-112177014-A-G.
Other names: c.5723A>G, p.Asn1908Ser (NM_001127510.3, NM_001354895.2); c.5669A>G, p.Asn1890Ser (NM_001127511.3); c.5777A>G, p.Asn1926Ser (NM_001354896.2); c.5753A>G, p.Asn1918Ser (NM_001354897.2); c.5648A>G, p.Asn1883Ser (NM_001354898.2); c.5639A>G, p.Asn1880Ser (NM_001354899.2); c.5600A>G, p.Asn1867Ser (NM_001354900.2); c.5546A>G, p.Asn1849Ser (NM_001354901.2); and 5 more; short protein forms N1890S, N1908S, N1625S, N1849S, N1867S, N1883S, N1807S, N1918S.
Identifiers: ClinVar variation 422390 (VCV000422390.22), dbSNP rs1064795748, ClinGen allele CA16033859.

ClinVar aggregate classification (germline): Conflicting classifications of pathogenicity. Review status: criteria provided, conflicting classifications (1 of 4 stars). 8 submissions from 8 submitters: Uncertain significance (6); Benign (1); Likely benign (1). Last evaluated 2025-06-24.

Conditions:
APC-related disorder. Also called: APC-related condition.
Classic or attenuated familial adenomatous polyposis. Identifiers: MedGen CN372698, MONDO:0021057.
Hereditary cancer-predisposing syndrome. Also called: Hereditary Cancer Syndrome; Tumor predisposition; Hereditary neoplastic syndrome; Neoplastic Syndromes, Hereditary. Identifiers: Orphanet 140162, MedGen C0027672, MeSH D009386, MONDO:0015356.
Familial adenomatous polyposis 1 (FAP1). Also called: FAMILIAL ADENOMATOUS POLYPOSIS 1, ATTENUATED; POLYPOSIS, ADENOMATOUS INTESTINAL. Identifiers: MedGen C2713442, MONDO:0021056, OMIM 175100. Disease mechanism: loss of function.

Allele frequency attached by ClinVar (database versions not stated): gnomAD exomes below 0.00001.
gnomAD v4.1: 2 of 1,614,024 alleles (0.00012%); highest among the groups gnomAD compares: Non-Finnish European, 0.00017%; no homozygotes.

Submissions (8):

PreventionGenetics, part of Exact Sciences
Classification: Uncertain significance for APC-related condition. Last evaluated: 2025-06-24. Review status: criteria provided, single submitter. Criteria: ACMG Guidelines, 2015. Collection method: clinical testing. Allele origin: germline.
Comment: The APC c.5723A>G variant is predicted to result in the amino acid substitution p.Asn1908Ser. To our knowledge, this variant has not been reported in the literature or in a large population database (gnomAD), indicating this variant is rare. This variant has conflicting interpretations of pathogenicity in ClinVar ranging from uncertain to benign. At this time, the clinical significance of this variant is uncertain due to the absence of conclusive functional and genetic evidence.

Dasa
Classification: Uncertain significance. Last evaluated: 2025-06-15. Review status: criteria provided, single submitter. Criteria: DASA Assertion Criteria. Collection method: clinical testing. Allele origin: germline.
Comment: NM_000038.6(APC):c.5723A>G (p.Asn1908Ser) is a missense variant that results in the substitution of asparagine with serine. This variant is rare in population databases. The currently available literature and clinical evidence are not sufficient to establish a definitive association between this variant and the reported condition. Therefore, this variant is classified as a variant of uncertain significance.

Color Diagnostics, LLC DBA Color Health
Classification: Uncertain significance for Hereditary cancer-predisposing syndrome. Last evaluated: 2025-03-31. Review status: criteria provided, single submitter. Criteria: ACMG Guidelines, 2015. Collection method: clinical testing. Allele origin: germline.
Comment: This missense variant replaces asparagine with serine at codon 1908 of the APC protein. Computational prediction suggests that this variant may not impact protein structure and function (internally defined REVEL score threshold <= 0.5, PMID: 27666373). To our knowledge, functional studies have not been reported for this variant. This variant has not been reported in individuals affected with hereditary cancer in the literature. This variant has not been identified in the general population by the Genome Aggregation Database (gnomAD). The available evidence is insufficient to determine the role of this variant in disease conclusively. Therefore, this variant is classified as a Variant of Uncertain Significance.

Labcorp Genetics (formerly Invitae), Labcorp
Classification: Uncertain significance for Familial adenomatous polyposis 1. Last evaluated: 2024-12-18. Review status: criteria provided, single submitter. Criteria: Invitae Variant Classification Sherloc (09022015). Collection method: clinical testing. Allele origin: germline.
Comment: This sequence change replaces asparagine, which is neutral and polar, with serine, which is neutral and polar, at codon 1908 of the APC protein (p.Asn1908Ser). This variant is not present in population databases (gnomAD no frequency). This variant has not been reported in the literature in individuals affected with APC-related conditions. ClinVar contains an entry for this variant (Variation ID: 422390). Invitae Evidence Modeling of protein sequence and biophysical properties (such as structural, functional, and spatial information, amino acid conservation, physicochemical variation, residue mobility, and thermodynamic stability) indicates that this missense variant is not expected to disrupt APC protein function with a negative predictive value of 95%. In summary, the available evidence is currently insufficient to determine the role of this variant in disease. Therefore, it has been classified as a Variant of Uncertain Significance.

All of Us Research Program, National Institutes of Health
Classification: Uncertain significance for Classic or attenuated familial adenomatous polyposis. Last evaluated: 2023-04-27. Review status: criteria provided, single submitter. Criteria: ACMG Guidelines, 2015. Collection method: clinical testing. Allele origin: germline. Inheritance: Autosomal dominant inheritance. Observed: 1 variant allele, 1 heterozygote.
Comment: This missense variant replaces asparagine with serine at codon 1908 of the APC protein. Computational prediction suggests that this variant may not impact protein structure and function (internally defined REVEL score threshold <= 0.5, PMID: 27666373). To our knowledge, functional studies have not been reported for this variant. This variant has not been reported in individuals affected with hereditary cancer in the literature. This variant has not been identified in the general population by the Genome Aggregation Database (gnomAD). The available evidence is insufficient to determine the role of this variant in disease conclusively. Therefore, this variant is classified as a Variant of Uncertain Significance.

This study involves interpretation of variants in research participants for the purpose of population health screening. Participant phenotype was not available at the time of variant classification. Additional details can be found in publication PMID: 35346344, PMCID: PMC8962531

Mendelics
Classification: Benign. Last evaluated: 2022-05-04. Review status: criteria provided, single submitter. Criteria: Mendelics Assertion Criteria 2019. Collection method: clinical testing. Allele origin: germline.

Ambry Genetics
Classification: Likely benign for Hereditary cancer-predisposing syndrome. Last evaluated: 2019-11-12. Review status: criteria provided, single submitter. Criteria: Ambry Variant Classification Scheme 2023. Collection method: clinical testing. Allele origin: germline.

GeneDx
Classification: Uncertain significance. Last evaluated: 2019-07-22. Review status: criteria provided, single submitter. Criteria: GeneDx Variant Classification Process June 2021. Collection method: clinical testing. Allele origin: germline. Affected: yes.
Comment: Not observed in large population cohorts (Lek et al., 2016); In silico analysis, which includes protein predictors and evolutionary conservation, supports that this variant does not alter protein structure/function; Has not been previously published as pathogenic or benign to our knowledge